The following is an entry in ClinVar:

ClinVar aggregate classification (germline): Uncertain significance (1 of 4 stars; one submission).

Submission:

Labcorp Genetics (formerly Invitae), Labcorp
Classification: Uncertain significance. Last evaluated: 2024-02-28. Review status: criteria provided, single submitter. Criteria: Invitae Variant Classification Sherloc (09022015). Collection method: clinical testing. Allele origin: germline.
Comment: This sequence change falls in intron 9 of the COL9A2 gene. It does not directly change the encoded amino acid sequence of the COL9A2 protein. It affects a nucleotide within the consensus splice site. This variant is not present in population databases (gnomAD no frequency). This variant has not been reported in the literature in individuals affected with COL9A2-related conditions. ClinVar contains an entry for this variant (Variation ID: 1525842). Variants that disrupt the consensus splice site are a relatively common cause of aberrant splicing (PMID: 17576681, 9536098). Algorithms developed to predict the effect of sequence changes on RNA splicing suggest that this variant may disrupt the consensus splice site. In summary, the available evidence is currently insufficient to determine the role of this variant in disease. Therefore, it has been classified as a Variant of Uncertain Significance.

Literature cited by the submitters: PubMed 17576681; PubMed 9536098.

NM_001852.4(COL9A2):c.471+3_471+6del

Gene: COL9A2 (collagen type IX alpha 2 chain; minus strand). Cytogenetic location: 1p34.2.
Variant type: Deletion.
Coding change: c.471+3_471+6del on transcript NM_001852.4 (MANE Select); bases 3 to 6 of the intron after coding-DNA position 471, 4 bases deleted (AAGT; older notation c.471+3_471+6delAAGT).
Molecular consequence: splice donor variant.
Genome position (GRCh38, 1-based): chr1:40,311,656-40,311,659, ACTT deleted on the plus strand (AAGT on the coding strand, the reverse complement: COL9A2 is on the minus strand); deleting any 4 consecutive bases within chr1:40,311,656-40,311,661 gives the same sequence; the c. name uses the placement nearest the transcript's 3' end. VCF-style (leftmost placement, unchanged base first): chr1-40311655-CACTT-C. GRCh37 (hg19) VCF-style: chr1-40777327-CACTT-C.
Identifiers: ClinVar variation 1525842 (VCV001525842.6), dbSNP rs2124091106, ClinGen allele CA2573132336.
Genomic context (GRCh38, chr1:40,311,655, plus strand): 5'-CAGGCTTGCTCAAAGACCCTTCTCCTTCCCCTGCACTTTGCCATGTCGGGGGTCTGGGGA[CACTT>C]ACAGGTTTCCCAGGGGGTCCTGGGGGCCCCGATGGTCCATCTGGTCCAGGGTCCCCCTGG-3'